The following is an entry in ClinVar:

ClinVar aggregate classification (germline): Uncertain significance (1 of 4 stars; one submission).

Conditions:
Adams-Oliver syndrome 5 (AOS5). Identifiers: Orphanet 974, MedGen C4014970, MONDO:0014459, OMIM 616028.

Submission:

Labcorp Genetics (formerly Invitae), Labcorp
Classification: Uncertain significance for Adams-Oliver syndrome 5. Last evaluated: 2024-08-11. Review status: criteria provided, single submitter. Criteria: Invitae Variant Classification Sherloc (09022015). Collection method: clinical testing. Allele origin: germline.
Comment: This sequence change replaces valine, which is neutral and non-polar, with glutamic acid, which is acidic and polar, at codon 964 of the NOTCH1 protein (p.Val964Glu). This variant is not present in population databases (gnomAD no frequency). This variant has not been reported in the literature in individuals affected with NOTCH1-related conditions. Advanced modeling of protein sequence and biophysical properties (such as structural, functional, and spatial information, amino acid conservation, physicochemical variation, residue mobility, and thermodynamic stability) performed at Invitae indicates that this missense variant is not expected to disrupt NOTCH1 protein function with a negative predictive value of 95%. In summary, the available evidence is currently insufficient to determine the role of this variant in disease. Therefore, it has been classified as a Variant of Uncertain Significance.

NM_017617.5(NOTCH1):c.2891T>A (p.Val964Glu)

Gene: NOTCH1 (notch receptor 1; minus strand). Cytogenetic location: 9q34.3.
Variant type: single nucleotide variant.
Coding change: c.2891T>A on transcript NM_017617.5 (MANE Select); coding-DNA position 2891, T replaced by A.
Protein change: p.Val964Glu; replaces valine 964 with glutamic acid.
Molecular consequence: missense variant.
Genome position (GRCh38, 1-based): chr9:136,509,811, A>T on the plus strand (T>A on the coding strand, the complement: NOTCH1 is on the minus strand). VCF-style: chr9-136509811-A-T. GRCh37 (hg19) VCF-style: chr9-139404263-A-T.
Other names: short protein forms V964E.
Identifiers: ClinVar variation 3635969 (VCV003635969.2).